The following is an entry in ClinVar:

NM_177438.3(DICER1):c.3764G>T (p.Ser1255Ile)

Gene: DICER1 (dicer 1, ribonuclease III; minus strand). Cytogenetic location: 14q32.13.
Variant type: single nucleotide variant.
Coding change: c.3764G>T on transcript NM_177438.3 (MANE Select); coding-DNA position 3764, G replaced by T.
Protein change: p.Ser1255Ile; replaces serine 1255 with isoleucine.
Molecular consequence: missense variant. On other transcripts: non-coding transcript variant (6).
Genome position (GRCh38, 1-based): chr14:95,103,632, C>A on the plus strand (G>T on the coding strand, the complement: DICER1 is on the minus strand). VCF-style: chr14-95103632-C-A. GRCh37 (hg19) VCF-style: chr14-95569969-C-A.
Other names: c.3764G>T, p.Ser1255Ile (NM_001195573.1, NM_001271282.3, NM_001291628.2 and 13 more transcripts); c.3359G>T, p.Ser1120Ile (NM_001395690.1, NM_001395687.1, NM_001395688.1 and 2 more transcripts); c.3197G>T, p.Ser1066Ile (NM_001395691.1); c.3482G>T, p.Ser1161Ile (NM_001395686.1); c.2081G>T, p.Ser694Ile (NM_001395697.1); short protein forms S1066I, S1255I, S1120I, S694I, S1161I.
Identifiers: ClinVar variation 2107299 (VCV002107299.4), dbSNP rs199526737, ClinGen allele CA390873596.
Genomic context (GRCh38, chr14:95,103,632, plus strand): 5'-ATCCTGCCCTTGAGCACTTGAATAGTGTCTGTCGTACCAGGCATTACGGCCATCACAGGA[C>A]TTCCATCTGAGGTAGATTTGTTAGCATTTCCATCAAGGTATTTATTACTCAGGAGAGTAC-3'
Protein context (NP_803187.1, residues 1245-1265): GNANKSTSDG[Ser1255Ile]PVMAVMPGTT

ClinVar aggregate classification (germline): Uncertain significance (1 of 4 stars; one submission).

Conditions:
DICER1-related tumor predisposition. Also called: DICER1 syndrome; DICER1-related pleuropulmonary blastoma cancer predisposition syndrome. Identifiers: Orphanet 284343, MedGen C3839822, MONDO:0100216.

Submission:

Labcorp Genetics (formerly Invitae), Labcorp
Classification: Uncertain significance for DICER1-related tumor predisposition. Last evaluated: 2026-01-27. Review status: criteria provided, single submitter. Criteria: Invitae Variant Classification Sherloc (09022015). Collection method: clinical testing. Allele origin: germline.
Comment: This sequence change replaces serine, which is neutral and polar, with isoleucine, which is neutral and non-polar, at codon 1255 of the DICER1 protein (p.Ser1255Ile). This variant is not present in population databases (gnomAD no frequency). This variant has not been reported in the literature in individuals affected with DICER1-related conditions. ClinVar contains an entry for this variant (Variation ID: 2107299). Invitae Evidence Modeling of protein sequence and biophysical properties (such as structural, functional, and spatial information, amino acid conservation, physicochemical variation, residue mobility, and thermodynamic stability) indicates that this missense variant is not expected to disrupt DICER1 protein function with a negative predictive value of 95%. In summary, the available evidence is currently insufficient to determine the role of this variant in disease. Therefore, it has been classified as a Variant of Uncertain Significance.